The following is an entry in ClinVar:

NM_024678.6(NARS2):c.517A>G (p.Ser173Gly)

Gene: NARS2 (asparaginyl-tRNA synthetase 2, mitochondrial; minus strand). Cytogenetic location: 11q14.1.
Variant type: single nucleotide variant.
Coding change: c.517A>G on transcript NM_024678.6 (MANE Select); coding-DNA position 517, A replaced by G.
Protein change: p.Ser173Gly; replaces serine 173 with glycine.
Molecular consequence: missense variant. On other transcripts: 5 prime UTR variant (1).
Genome position (GRCh38, 1-based): chr11:78,559,616, T>C on the plus strand (A>G on the coding strand, the complement: NARS2 is on the minus strand). VCF-style: chr11-78559616-T-C. GRCh37 (hg19) VCF-style: chr11-78270662-T-C.
Other names: c.-165A>G (NM_001243251.2); short protein forms S173G.
Identifiers: ClinVar variation 2072891 (VCV002072891.4), dbSNP rs142593807, ClinGen allele CA6205803.

ClinVar aggregate classification (germline): Uncertain significance (1 of 4 stars; one submission).

Allele frequency attached by ClinVar (database versions not stated): gnomAD exomes 0.00002; ExAC 0.00003; TOPMed 0.00001; gnomAD 0.00001; ESP Exome Variant Server 0.00015.
gnomAD v4.1: 29 of 1,608,878 alleles (0.0018%); highest among the groups gnomAD compares: Non-Finnish European, 0.0024%; no homozygotes.

Submission:

Labcorp Genetics (formerly Invitae), Labcorp
Classification: Uncertain significance. Last evaluated: 2022-05-07. Review status: criteria provided, single submitter. Criteria: Invitae Variant Classification Sherloc (09022015). Collection method: clinical testing. Allele origin: germline.
Comment: In summary, the available evidence is currently insufficient to determine the role of this variant in disease. Therefore, it has been classified as a Variant of Uncertain Significance. Algorithms developed to predict the effect of missense changes on protein structure and function (SIFT, PolyPhen-2, Align-GVGD) all suggest that this variant is likely to be tolerated. This variant has not been reported in the literature in individuals affected with NARS2-related conditions. This variant is present in population databases (rs142593807, gnomAD 0.008%). This sequence change replaces serine, which is neutral and polar, with glycine, which is neutral and non-polar, at codon 173 of the NARS2 protein (p.Ser173Gly).